The following is an entry in ClinVar:

ClinVar aggregate classification (germline): Uncertain significance (1 of 4 stars; one submission).

gnomAD v4.1: 1 of 1,614,062 alleles (0.000062%); highest among the groups gnomAD compares: Non-Finnish European, 0.000085%; no homozygotes.

Submission:

GeneDx
Classification: Uncertain significance. Last evaluated: 2024-11-26. Review status: criteria provided, single submitter. Criteria: GeneDx Variant Classification Process June 2021. Collection method: clinical testing. Allele origin: germline. Affected: yes.
Comment: Not observed at significant frequency in large population cohorts (gnomAD); In silico analysis supports that this missense variant has a deleterious effect on protein structure/function; Has not been previously published as pathogenic or benign to our knowledge

NM_207037.2(TCF12):c.1896G>C (p.Leu632Phe)

Gene: TCF12 (transcription factor 12; plus strand). Cytogenetic location: 15q21.3.
Variant type: single nucleotide variant.
Coding change: c.1896G>C on transcript NM_207037.2 (MANE Select); coding-DNA position 1896, G replaced by C.
Protein change: p.Leu632Phe; replaces leucine 632 with phenylalanine.
Molecular consequence: missense variant.
Genome position (GRCh38, 1-based): chr15:57,273,180, G>C. VCF-style: chr15-57273180-G-C. GRCh37 (hg19) VCF-style: chr15-57565378-G-C.
Other names: c.1650G>C, p.Leu550Phe (NM_001322158.2); c.1896G>C, p.Leu632Phe (NM_001322159.3, NM_001322162.2, NM_207036.2 and 1 more transcripts); c.1893G>C, p.Leu631Phe (NM_001322161.2, NM_001322152.2); c.1860G>C, p.Leu620Phe (NM_001322164.2); c.1824G>C, p.Leu608Phe (NM_001322165.2, NM_003205.4, NM_207038.2 and 1 more transcripts); c.1314G>C, p.Leu438Phe (NM_207040.2); c.1386G>C, p.Leu462Phe (NM_001306219.3); c.1116G>C, p.Leu372Phe (NM_001306220.3); and 2 more; short protein forms L372F, L413F, L438F, L462F, L550F, L574F, L608F, L620F.
Identifiers: ClinVar variation 3900854 (VCV003900854.1).